The following is an entry in ClinVar:

NM_000384.3(APOB):c.12265C>A (p.His4089Asn)

Gene: APOB (apolipoprotein B; minus strand). Cytogenetic location: 2p24.1.
Variant type: single nucleotide variant.
Coding change: c.12265C>A on transcript NM_000384.3 (MANE Select); coding-DNA position 12265, C replaced by A.
Protein change: p.His4089Asn; replaces histidine 4089 with asparagine.
Molecular consequence: missense variant.
Genome position (GRCh38, 1-based): chr2:21,003,157, G>T on the plus strand (C>A on the coding strand, the complement: APOB is on the minus strand). VCF-style: chr2-21003157-G-T. GRCh37 (hg19) VCF-style: chr2-21226029-G-T.
Other names: short protein forms H4089N.
Identifiers: ClinVar variation 4527179 (VCV004527179.1).

ClinVar aggregate classification (germline): Uncertain significance (1 of 4 stars; one submission).

gnomAD v4.1: 1 of 1,613,848 alleles (0.000062%); highest among the groups gnomAD compares: Middle Eastern, 0.017%; no homozygotes.

Submission:

GeneDx
Classification: Uncertain significance. Last evaluated: 2025-04-16. Review status: criteria provided, single submitter. Criteria: GeneDx Variant Classification Process June 2021. Collection method: clinical testing. Allele origin: germline. Affected: yes.
Comment: Not observed at significant frequency in large population cohorts (gnomAD); In silico analysis supports that this missense variant has a deleterious effect on protein structure/function; Has not been previously published as pathogenic or benign to our knowledge